The following is an entry in ClinVar:

NM_005902.4(SMAD3):c.533-585G>T

Gene: SMAD3 (SMAD family member 3; plus strand). Cytogenetic location: 15q22.33.
Variant type: single nucleotide variant.
Coding change: c.533-585G>T on transcript NM_005902.4 (MANE Select); 585 bases into the intron before coding-DNA position 533, G replaced by T.
Molecular consequence: intron variant. On other transcripts: splice donor variant (1).
Genome position (GRCh38, 1-based): chr15:67,166,194, G>T. VCF-style: chr15-67166194-G-T. GRCh37 (hg19) VCF-style: chr15-67458532-G-T.
Other names: c.533-585G>T (NM_001407011.1, NM_001407013.1); c.401-585G>T (NM_001407012.1, NM_001145103.2); c.386-585G>T (NM_001407014.1); c.218-585G>T (NM_001145102.2, NM_001407016.1); c.86-585G>T (NM_001407015.1); c.-54+1G>T (NM_001145104.2).
Identifiers: ClinVar variation 213754 (VCV000213754.3), dbSNP rs762320351, ClinGen allele CA321976.

ClinVar aggregate classification (germline): Uncertain significance (1 of 4 stars; one submission).

Allele frequency attached by ClinVar (database versions not stated): TOPMed 0.00012; gnomAD 0.00022.
gnomAD v4.1: 334 of 1,013,370 alleles (0.033%); highest among the groups gnomAD compares: Non-Finnish European, 0.039%; 1 homozygote.

Submission:

GeneDx
Classification: Uncertain significance. Last evaluated: 2021-01-22. Review status: criteria provided, single submitter. Criteria: GeneDx Variant Classification Process June 2021. Collection method: clinical testing. Allele origin: germline. Affected: yes.
Comment: Canonical splice site variant with an unclear effect on protein function; located in intron 1 of the 5' untranslated region of the SMAD3 gene, which is the non-coding region upstream of the start codon located in exon 2; In the absence of RNA/functional studies, the actual effect of this sequence change is unknown; Has not been previously published as pathogenic or benign to our knowledge